The following is an entry in ClinVar:

ClinVar aggregate classification (germline): Pathogenic (1 of 4 stars; one submission).

Submission:

Labcorp Genetics (formerly Invitae), Labcorp
Classification: Pathogenic. Last evaluated: 2024-04-24. Review status: criteria provided, single submitter. Criteria: Invitae Variant Classification Sherloc (09022015). Collection method: clinical testing. Allele origin: germline.
Comment: This sequence change creates a premature translational stop signal (p.Gly687Glufs*37) in the COL18A1 gene. It is expected to result in an absent or disrupted protein product. Loss-of-function variants in COL18A1 are known to be pathogenic (PMID: 12415512, 25456301). This variant is not present in population databases (gnomAD no frequency). This variant has not been reported in the literature in individuals affected with COL18A1-related conditions. For these reasons, this variant has been classified as Pathogenic.

Literature cited by the submitters: PubMed 12415512; PubMed 25456301.

NM_001379500.1(COL18A1):c.2060del (p.Gly687fs)

Gene: COL18A1 (collagen type XVIII alpha 1 chain; plus strand). Cytogenetic location: 21q22.3.
Variant type: Deletion.
Coding change: c.2060del on transcript NM_001379500.1 (MANE Select); coding-DNA position 2060, one base deleted (G; older notation c.2060delG).
Protein change: p.Gly687fs; shifts the reading frame from glycine 687.
Molecular consequence: frameshift variant.
Genome position (GRCh38, 1-based): chr21:45,490,864, G deleted; the last of 4 consecutive G bases (chr21:45,490,861-45,490,864); deleting any one gives the same sequence. VCF-style (leftmost placement, unchanged base first): chr21-45490860-CG-C. GRCh37 (hg19) VCF-style: chr21-46910774-CG-C.
Other names: c.2600del, p.Gly867fs (NM_030582.4); c.3305del, p.Gly1102fs (NM_130444.3); short protein forms G1102fs, G867fs, G687fs.
Identifiers: ClinVar variation 3650670 (VCV003650670.2).
Genomic context (GRCh38, chr21:45,490,860, plus strand): 5'-TGTTGGTGATGAACCATTTCCTTCCTGTCTCTCCAGGGGCCAAAGGGAGACAGAGGCAGC[CG>C]GGGAGAAAAGGTGAGTGTCCCTGGGGCGGGTGGATGGGGATGGGGGGCGCTGGGACATCC-3'